The following is an entry in ClinVar:

NM_018012.4(KIF26B):c.3572C>T (p.Thr1191Met)

Gene: KIF26B (kinesin family member 26B; plus strand). Cytogenetic location: 1q44.
Variant type: single nucleotide variant.
Coding change: c.3572C>T on transcript NM_018012.4 (MANE Select); coding-DNA position 3572, C replaced by T.
Protein change: p.Thr1191Met; replaces threonine 1191 with methionine.
Molecular consequence: missense variant.
Genome position (GRCh38, 1-based): chr1:245,686,555, C>T. VCF-style: chr1-245686555-C-T. GRCh37 (hg19) VCF-style: chr1-245849857-C-T.
Other names: short protein forms T1191M.
Identifiers: ClinVar variation 3041144 (VCV003041144.2), dbSNP rs140210772, ClinGen allele CA1488285.

ClinVar aggregate classification (germline): Benign (0 of 4 stars; one submission).

Conditions:
KIF26B-related disorder. Also called: KIF26B-related condition.

Allele frequency attached by ClinVar (database versions not stated): ExAC 0.00137; gnomAD 0.00418; ESP Exome Variant Server 0.00434; TOPMed 0.00454; 1000 Genomes Project 30x 0.00468; 1000 Genomes Project 0.00499.
gnomAD v4.1: 1,398 of 1,613,054 alleles (0.087%); highest among the groups gnomAD compares: African/African-American, 1.4%; 12 homozygotes.

Submission:

PreventionGenetics, part of Exact Sciences
Classification: Benign for KIF26B-related condition. Last evaluated: 2019-02-21. Review status: no assertion criteria provided. Collection method: clinical testing. Allele origin: germline.
Comment: This variant is classified as benign based on ACMG/AMP sequence variant interpretation guidelines (Richards et al. 2015 PMID: 25741868, with internal and published modifications).